The following is an entry in ClinVar:

NM_002335.4(LRP5):c.375G>T (p.Thr125=)

Gene: LRP5 (LDL receptor related protein 5; plus strand). Cytogenetic location: 11q13.2.
Variant type: single nucleotide variant.
Coding change: c.375G>T on transcript NM_002335.4 (MANE Select); coding-DNA position 375, G replaced by T.
Protein change: p.Thr125=; no amino-acid change (threonine 125 retained).
Molecular consequence: synonymous variant. On other transcripts: 5 prime UTR variant (1).
Genome position (GRCh38, 1-based): chr11:68,348,130, G>T. VCF-style: chr11-68348130-G-T. GRCh37 (hg19) VCF-style: chr11-68115598-G-T.
Other names: c.-1391G>T (NM_001291902.2).
Identifiers: ClinVar variation 389138 (VCV000389138.18), dbSNP rs780348578, ClinGen allele CA6148970.

ClinVar aggregate classification (germline): Likely benign. Review status: criteria provided, multiple submitters, no conflicts (2 of 4 stars). 4 submissions from 4 submitters: Likely benign (3). 1 of the submissions does not count toward it. Last evaluated 2026-01-26.

Conditions:
LRP5-related disorder. Also called: LRP5-related condition.

Allele frequency attached by ClinVar (database versions not stated): TOPMed 0.00019.
gnomAD v4.1: 159 of 1,613,954 alleles (0.0099%); highest among the groups gnomAD compares: Middle Eastern, 0.066%; no homozygotes.

Submissions (4):

Labcorp Genetics (formerly Invitae), Labcorp
Classification: Likely benign. Last evaluated: 2026-01-26. Review status: criteria provided, single submitter. Criteria: Invitae Variant Classification Sherloc (09022015). Collection method: clinical testing. Allele origin: germline.

Blueprint Genetics
Classification: Likely benign. Last evaluated: 2024-10-15. Review status: criteria provided, single submitter. Criteria: ACMG Guidelines, 2015. Collection method: clinical testing. Allele origin: germline.

GeneDx
Classification: Likely benign. Last evaluated: 2020-05-11. Review status: criteria provided, single submitter. Criteria: GeneDx Variant Classification Process June 2021. Collection method: clinical testing. Allele origin: germline. Affected: yes.

PreventionGenetics, part of Exact Sciences
Classification: Likely benign for LRP5-related condition. Last evaluated: 2020-10-19. Review status: no assertion criteria provided. Collection method: clinical testing. Allele origin: germline. Not counted in ClinVar's aggregate classification.
Comment: This variant is classified as likely benign based on ACMG/AMP sequence variant interpretation guidelines (Richards et al. 2015 PMID: 25741868, with internal and published modifications).